The following is an entry in ClinVar:

NM_018191.4(RCBTB1):c.28T>C (p.Phe10Leu)

Gene: RCBTB1 (RCC1 and BTB domain containing protein 1; minus strand). Cytogenetic location: 13q14.2.
Variant type: single nucleotide variant.
Coding change: c.28T>C on transcript NM_018191.4 (MANE Select); coding-DNA position 28, T replaced by C.
Protein change: p.Phe10Leu; replaces phenylalanine 10 with leucine.
Molecular consequence: missense variant. On other transcripts: 5 prime UTR variant (1), non-coding transcript variant (2).
Genome position (GRCh38, 1-based): chr13:49,567,252, A>G on the plus strand (T>C on the coding strand, the complement: RCBTB1 is on the minus strand). VCF-style: chr13-49567252-A-G. GRCh37 (hg19) VCF-style: chr13-50141388-A-G.
Other names: c.28T>C, p.Phe10Leu (NM_001352500.2, NM_001352501.2, NM_001352502.2 and 3 more transcripts); c.-582T>C (NM_001352506.2); short protein forms F10L.
Identifiers: ClinVar variation 1952568 (VCV001952568.4), dbSNP rs368583726, ClinGen allele CA6983038.

ClinVar aggregate classification (germline): Uncertain significance (1 of 4 stars; one submission).

Allele frequency attached by ClinVar (database versions not stated): gnomAD exomes 0.00001; ExAC 0.00002; TOPMed 0.00004; ESP Exome Variant Server 0.00008.
gnomAD v4.1: 11 of 1,613,952 alleles (0.00068%); highest among the groups gnomAD compares: African/African-American, 0.012%; no homozygotes.

Submission:

Labcorp Genetics (formerly Invitae), Labcorp
Classification: Uncertain significance. Last evaluated: 2022-07-04. Review status: criteria provided, single submitter. Criteria: Invitae Variant Classification Sherloc (09022015). Collection method: clinical testing. Allele origin: germline.
Comment: In summary, the available evidence is currently insufficient to determine the role of this variant in disease. Therefore, it has been classified as a Variant of Uncertain Significance. Algorithms developed to predict the effect of missense changes on protein structure and function are either unavailable or do not agree on the potential impact of this missense change (SIFT: "Deleterious"; PolyPhen-2: "Possibly Damaging"; Align-GVGD: "Class C0"). This variant has not been reported in the literature in individuals affected with RCBTB1-related conditions. This variant is present in population databases (rs368583726, gnomAD 0.02%). This sequence change replaces phenylalanine, which is neutral and non-polar, with leucine, which is neutral and non-polar, at codon 10 of the RCBTB1 protein (p.Phe10Leu).